The following is an entry in ClinVar:

ClinVar aggregate classification (germline): Conflicting classifications of pathogenicity. Review status: criteria provided, conflicting classifications (1 of 4 stars). 10 submissions from 10 submitters: Uncertain significance (4); Likely benign (5). 1 of the submissions does not count toward it. Last evaluated 2026-02-01.

Conditions:
Hereditary cancer-predisposing syndrome. Also called: Neoplastic Syndromes, Hereditary; Tumor predisposition; Hereditary Cancer Syndrome; Hereditary neoplastic syndrome. Identifiers: Orphanet 140162, MedGen C0027672, MeSH D009386, MONDO:0015356.
Lynch syndrome. Identifiers: Orphanet 144, MedGen C4552100, MONDO:0005835. Disease mechanism: loss of function.
MSH6-related disorder. Also called: MSH6-related condition; MSH6-Related disorders.
Hereditary nonpolyposis colorectal neoplasms. Identifiers: MedGen C0009405, MeSH D003123.
Lynch syndrome 5 (LYNCH5). Also called: Colorectal cancer, hereditary nonpolyposis, type 5; Hereditary non-polyposis colorectal cancer, type 5. Identifiers: Orphanet 144, MedGen C1833477, MONDO:0013710, OMIM 614350. Disease mechanism: loss of function.

Allele frequency attached by ClinVar (database versions not stated): gnomAD 0.00001; gnomAD exomes 0.00006 and 0.00014; TOPMed 0.00010; ExAC 0.00011.
gnomAD v4.1: 39 of 1,612,120 alleles (0.0024%); highest among the groups gnomAD compares: Admixed American, 0.065%; 1 homozygote.

Submissions (10):

Labcorp Genetics (formerly Invitae), Labcorp
Classification: Likely benign for Hereditary nonpolyposis colorectal neoplasms. Last evaluated: 2026-02-01. Review status: criteria provided, single submitter. Criteria: Invitae Variant Classification Sherloc (09022015). Collection method: clinical testing. Allele origin: germline.

Myriad Genetics, Inc.
Classification: Likely benign for Lynch syndrome 5. Last evaluated: 2024-12-16. Review status: criteria provided, single submitter. Criteria: Myriad Autosomal Dominant, Autosomal Recessive and X-Linked Classification Criteria (2023). Collection method: clinical testing. Allele origin: unknown.
Comment: This variant is considered likely benign. This variant is strongly associated with less severe personal and family histories of cancer, typical for individuals without pathogenic variants in this gene [PMID: 27363726].

Color Diagnostics, LLC DBA Color Health
Classification: Uncertain significance for Hereditary cancer-predisposing syndrome. Last evaluated: 2024-07-08. Review status: criteria provided, single submitter. Criteria: ACMG Guidelines, 2015. Collection method: clinical testing. Allele origin: germline.
Comment: This missense variant replaces phenylalanine with leucine at codon 11 of the MSH6 protein. Computational prediction is inconclusive regarding the impact of this variant on protein structure and function (internally defined REVEL score threshold 0.5 < inconclusive < 0.7, PMID: 27666373). To our knowledge, functional studies have not been reported for this variant. This variant has been reported in an individual affected with prostate cancer (PMID: 32997692). This variant has been identified in 35/245118 chromosomes in the general population by the Genome Aggregation Database (gnomAD). The available evidence is insufficient to determine the role of this variant in disease conclusively. Therefore, this variant is classified as a Variant of Uncertain Significance.

GeneDx
Classification: Uncertain significance. Last evaluated: 2024-06-06. Review status: criteria provided, single submitter. Criteria: GeneDx Variant Classification Process June 2021. Collection method: clinical testing. Allele origin: germline. Affected: yes.
Comment: In silico analysis supports that this missense variant has a deleterious effect on protein structure/function; Reported as a germline variant in an individual with metastatic castration-resistant prostate cancer (PMID: 32997692); This variant is associated with the following publications: (PMID: 22949387, 12019211, 21120944, 32997692)

ARUP Laboratories, Molecular Genetics and Genomics, ARUP Laboratories
Classification: Uncertain significance. Last evaluated: 2024-01-05. Review status: criteria provided, single submitter. Criteria: ARUP Molecular Germline Variant Investigation Process 2024. Collection method: clinical testing. Allele origin: germline.
Comment: The MSH6 c.33C>G; p.Phe11Leu variant (rs747802641) is reported in the literature in one individual affected with prostate cancer but without clear disease association (Carlson 2020). This variant is found in the Admixed American population with an allele frequency of 0.1% (35/34414 alleles) in the Genome Aggregation Database (v2.1.1). Computational analyses are uncertain whether this variant is neutral or deleterious (REVEL: 0.563). Due to limited information, the clinical significance of this variant is uncertain at this time. References: Carlson AS et al. Impact of mutations in homologous recombination repair genes on treatment outcomes for metastatic castration resistant prostate cancer. PLoS One. 2020 Sep 30;15(9):e0239686. PMID: 32997692.

All of Us Research Program, National Institutes of Health
Classification: Uncertain significance for Lynch syndrome. Last evaluated: 2023-11-30. Review status: criteria provided, single submitter. Criteria: ACMG Guidelines, 2015. Collection method: clinical testing. Allele origin: germline. Inheritance: Autosomal dominant inheritance. Observed: 5 variant alleles, 5 heterozygotes.
Comment: This missense variant replaces phenylalanine with leucine at codon 11 of the MSH6 protein. Computational prediction is inconclusive regarding the impact of this variant on protein structure and function (internally defined REVEL score threshold 0.5 < inconclusive < 0.7, PMID: 27666373). Splice site prediction tools suggest that this variant may not impact RNA splicing. To our knowledge, functional studies have not been performed for this variant. This variant has not been reported in individuals affected with hereditary cancer in the literature. This variant has been identified in 35/245118 chromosomes in the general population by the Genome Aggregation Database (gnomAD). The relatively high frequency of this variant in the general population suggests that this variant is unlikely to be disease-causing. However, additional studies are necessary to determine the role of this variant in disease conclusively. Therefore, this variant is classified as a Variant of Uncertain Significance.

This study involves interpretation of variants in research participants for the purpose of population health screening. Participant phenotype was not available at the time of variant classification. Additional details can be found in publication PMID: 35346344, PMCID: PMC8962531

Women's Health and Genetics/Laboratory Corporation of America, LabCorp
Classification: Likely benign. Last evaluated: 2023-04-07. Review status: criteria provided, single submitter. Criteria: LabCorp Variant Classification Summary - May 2015. Collection method: clinical testing. Allele origin: germline.
Comment: Variant summary: MSH6 c.33C>G (p.Phe11Leu) results in a non-conservative amino acid change in the encoded protein sequence. Five of five in-silico tools predict a damaging effect of the variant on protein function. The variant allele was found at a frequency of 0.00014 in 245118 control chromosomes, predominantly at a frequency of 0.001 within the Latino subpopulation in the gnomAD database. The observed variant frequency within Latino control individuals in the gnomAD database is approximately 7-fold of the estimated maximal expected allele frequency for a pathogenic variant in MSH6 causing Hereditary Nonpolyposis Colorectal Cancer phenotype (0.00014), strongly suggesting that the variant is a benign polymorphism found primarily in populations of Latino origin. c.33C>G has been reported in the literature in at least one individual affected with prostate cancer, however without strong evidence for causality (e.g., Carlson_2020). This report therefore does not provide unequivocal conclusions about association of the variant with Hereditary Nonpolyposis Colorectal Cancer. To our knowledge, no experimental evidence demonstrating an impact on protein function has been reported. Six clinical diagnostic laboratories have submitted clinical-significance assessments for this variant to ClinVar after 2014 and reported the variant with conflicting assessments (VUS, n = 4; likely benign, n = 2). Based on the evidence outlined above, the variant was classified as likely benign.

Ambry Genetics
Classification: Likely benign for Hereditary cancer-predisposing syndrome. Last evaluated: 2023-02-27. Review status: criteria provided, single submitter. Criteria: Ambry Variant Classification Scheme 2023. Collection method: clinical testing. Allele origin: germline.

Quest Diagnostics Nichols Institute San Juan Capistrano
Classification: Likely benign. Last evaluated: 2022-08-30. Review status: criteria provided, single submitter. Criteria: Quest Diagnostics criteria. Collection method: clinical testing. Allele origin: unknown.

PreventionGenetics, part of Exact Sciences
Classification: Likely benign for MSH6-related condition. Last evaluated: 2024-07-12. Review status: no assertion criteria provided. Collection method: clinical testing. Allele origin: germline. Not counted in ClinVar's aggregate classification.
Comment: This variant is classified as likely benign based on ACMG/AMP sequence variant interpretation guidelines (Richards et al. 2015 PMID: 25741868, with internal and published modifications).

Literature cited by the submitters: PubMed 27363726 (cited by Myriad Genetics, Inc.); PubMed 32997692 (cited by Color Diagnostics, LLC DBA Color Health and Women's Health and Genetics/Laboratory Corporation of America, LabCorp).

NM_000179.3(MSH6):c.33C>G (p.Phe11Leu)

Gene: MSH6 (mutS homolog 6; plus strand). Cytogenetic location: 2p16.3.
Variant type: single nucleotide variant.
Coding change: c.33C>G on transcript NM_000179.3 (MANE Select); coding-DNA position 33, C replaced by G.
Protein change: p.Phe11Leu; replaces phenylalanine 11 with leucine.
Molecular consequence: missense variant. On other transcripts: 5 prime UTR variant (1).
Genome position (GRCh38, 1-based): chr2:47,783,266, C>G. VCF-style: chr2-47783266-C-G. GRCh37 (hg19) VCF-style: chr2-48010405-C-G.
Other names: c.33C>G, p.Phe11Leu (NM_001281492.2); c.-704C>G (NM_001281493.2); short protein forms F11L.
Identifiers: ClinVar variation 186416 (VCV000186416.38), dbSNP rs747802641, ClinGen allele CA012766.